The following is an entry in ClinVar:

NM_000094.4(COL7A1):c.6761G>C (p.Gly2254Ala)

Gene: COL7A1 (collagen type VII alpha 1 chain; minus strand). Cytogenetic location: 3p21.31.
Variant type: single nucleotide variant.
Coding change: c.6761G>C on transcript NM_000094.4 (MANE Select); coding-DNA position 6761, G replaced by C.
Protein change: p.Gly2254Ala; replaces glycine 2254 with alanine.
Molecular consequence: missense variant.
Genome position (GRCh38, 1-based): chr3:48,572,932, C>G on the plus strand (G>C on the coding strand, the complement: COL7A1 is on the minus strand). VCF-style: chr3-48572932-C-G. GRCh37 (hg19) VCF-style: chr3-48610365-C-G.
Other names: short protein forms G2254A.
Identifiers: ClinVar variation 4532275 (VCV004532275.1).

ClinVar aggregate classification (germline): Pathogenic (1 of 4 stars; one submission).

Conditions:
Epidermolysis bullosa simplex 1A, generalized severe (EBS1A). Also called: Epidermolysis bullosa simplex Dowling-Meara type. Identifiers: Orphanet 79396, MedGen C0079295, MONDO:0007550, OMIM 131760.

Submission:

Centro de Genética y Biología Molecular, Universidad de San Martín de Porres
Classification: Pathogenic for Epidermolysis bullosa simplex 1A, generalized severe. Last evaluated: 2020-01-20. Review status: criteria provided, single submitter. Criteria: ACMG Guidelines, 2015. Collection method: research. Allele origin: biparental. Inheritance: Autosomal dominant inheritance. Affected: yes. Observed: 1 homozygote.
Comment: Variant is located in a Gly repeat collagenous domain that is highly conserved Gly-X-Y). Gly substitution destabilises the collagen triplehelix, causing skin fragility due to poor anchorage of the basement membrane to the dermis. Not present in gnom AD (population databases). This variant is different from the one reported in rs2107659875 G>E at the 2254 position.